The following is an entry in ClinVar:

NC_000014.9:g.(?_23392552)_(23419619_?)del

Genes: MIR208B (microRNA 208b; minus strand), MYH6 (myosin heavy chain 6; minus strand), MYH7 (myosin heavy chain 7; minus strand). Cytogenetic location: 14q11.2.
Variant type: Deletion.
Identifiers: ClinVar variation 831362 (VCV000831362.2).

ClinVar aggregate classification (germline): Uncertain significance (1 of 4 stars; one submission).

Conditions:
Hypertrophic cardiomyopathy. Also called: HYPERTROPHIC MYOCARDIOPATHY. Identifiers: Orphanet 217569, MedGen C0007194, MeSH D002312, MONDO:0005045, HP:0001639.

Submission:

Labcorp Genetics (formerly Invitae), Labcorp
Classification: Uncertain significance for Hypertrophic cardiomyopathy. Last evaluated: 2019-11-30. Review status: criteria provided, single submitter. Criteria: Invitae Variant Classification Sherloc (09022015). Collection method: clinical testing. Allele origin: germline.
Comment: This variant is a gross deletion of the genomic region encompassing exons 28-40 of the MYH7 gene. The 5' boundary is likely confined to intron 27. The 3' end of this event is unknown as it extends through the termination codon beyond the assayed region for this gene and may encompass additional genes. While this deletion is not anticipated to result in nonsense mediated decay, it is expected to create a truncated protein product or disrupt mRNA translation. This variant has not been reported in the literature in individuals with MYH7-related conditions. Experimental studies and prediction algorithms are not available or were not evaluated, and the functional significance of this variant is currently unknown. In summary, the available evidence is currently insufficient to determine the role of this variant in disease. Therefore, it has been classified as a Variant of Uncertain Significance.